The following is an entry in ClinVar:

ClinVar aggregate classification (germline): Uncertain significance (1 of 4 stars; one submission).

Conditions:
Loeys-Dietz syndrome 4 (LDS4). Also called: ANEURYSM, AORTIC AND CEREBRAL, WITH ARTERIAL TORTUOSITY AND SKELETAL MANIFESTATIONS; TGFB2-Related Loeys-Dietz Syndrome. Identifiers: MedGen C3553762, MONDO:0013897, OMIM 614816.

Allele frequency attached by ClinVar (database versions not stated): gnomAD exomes below 0.00001 and 0.00001; TOPMed below 0.00001; gnomAD 0.00001.
gnomAD v4.1: 3 of 1,614,036 alleles (0.00019%); highest among the groups gnomAD compares: East Asian, 0.0022%; no homozygotes.

Submission:

Labcorp Genetics (formerly Invitae), Labcorp
Classification: Uncertain significance for Loeys-Dietz syndrome 4. Last evaluated: 2019-07-26. Review status: criteria provided, single submitter. Criteria: Invitae Variant Classification Sherloc (09022015). Collection method: clinical testing. Allele origin: germline.
Comment: In summary, the available evidence is currently insufficient to determine the role of this variant in disease. Therefore, it has been classified as a Variant of Uncertain Significance. Algorithms developed to predict the effect of missense changes on protein structure and function (SIFT, PolyPhen-2, Align-GVGD) all suggest that this variant is likely to be tolerated, but these predictions have not been confirmed by published functional studies and their clinical significance is uncertain. This variant has not been reported in the literature in individuals with TGFB2-related conditions. This variant is not present in population databases (ExAC no frequency). This sequence change replaces lysine with glutamic acid at codon 273 of the TGFB2 protein (p.Lys273Glu). The lysine residue is highly conserved and there is a small physicochemical difference between lysine and glutamic acid.

NM_003238.6(TGFB2):c.817A>G (p.Lys273Glu)

Gene: TGFB2 (transforming growth factor beta 2; plus strand). Cytogenetic location: 1q41.
Variant type: single nucleotide variant.
Coding change: c.817A>G on transcript NM_003238.6 (MANE Select); coding-DNA position 817, A replaced by G.
Protein change: p.Lys273Glu; replaces lysine 273 with glutamic acid.
Molecular consequence: missense variant.
Genome position (GRCh38, 1-based): chr1:218,436,032, A>G. VCF-style: chr1-218436032-A-G. GRCh37 (hg19) VCF-style: chr1-218609374-A-G.
Other names: c.901A>G, p.Lys301Glu (NM_001135599.4); short protein forms K273E, K301E.
Identifiers: ClinVar variation 947136 (VCV000947136.12), dbSNP rs1467391590, ClinGen allele CA344727123.